The following is an entry in ClinVar:

ClinVar aggregate classification (germline): Uncertain significance (1 of 4 stars; one submission).

Conditions:
Catecholaminergic polymorphic ventricular tachycardia 1. Also called: VENTRICULAR TACHYCARDIA, STRESS-INDUCED POLYMORPHIC 1; VENTRICULAR TACHYCARDIA, CATECHOLAMINERGIC POLYMORPHIC, 1, WITH OR WITHOUT ATRIAL DYSFUNCTION AND/OR DILATED CARDIOMYOPATHY; RYR2-Related Catecholaminergic Polymorphic Ventricular Tachycardia. Identifiers: Orphanet 3286, MedGen C1631597, MONDO:0011484, OMIM 604772.

Submission:

Labcorp Genetics (formerly Invitae), Labcorp
Classification: Uncertain significance for Catecholaminergic polymorphic ventricular tachycardia 1. Last evaluated: 2024-12-05. Review status: criteria provided, single submitter. Criteria: Invitae Variant Classification Sherloc (09022015). Collection method: clinical testing. Allele origin: germline.
Comment: This variant, c.10245_10247del, results in the deletion of 1 amino acid(s) of the RYR2 protein (p.Glu3416del), but otherwise preserves the integrity of the reading frame. This variant is not present in population databases (gnomAD no frequency). This variant has not been reported in the literature in individuals affected with RYR2-related conditions. Experimental studies and prediction algorithms are not available or were not evaluated, and the functional significance of this variant is currently unknown. In summary, the available evidence is currently insufficient to determine the role of this variant in disease. Therefore, it has been classified as a Variant of Uncertain Significance.

NM_001035.3(RYR2):c.10242AGA[1] (p.Glu3416del)

Gene: RYR2 (ryanodine receptor 2; plus strand). Cytogenetic location: 1q43.
Variant type: Microsatellite.
Coding change: c.10242AGA[1] on transcript NM_001035.3 (MANE Select); one copy of the 3-base unit AGA starting at c.10242; the reference has two copies in a row; one copy, 3 bases deleted.
Protein change: p.Glu3416del; deletes glutamic acid 3416.
Genome position (GRCh38, 1-based): chr1:237,711,759-237,711,761, AGA deleted; deleting any 3 consecutive bases within chr1:237,711,756-237,711,761 gives the same sequence; the position shown is the placement nearest the transcript's 3' end. VCF-style (leftmost placement, unchanged base first): chr1-237711755-GAGA-G. GRCh37 (hg19) VCF-style: chr1-237875055-GAGA-G.
Other names: short protein forms E3416del.
Identifiers: ClinVar variation 3690604 (VCV003690604.2).